The following is an entry in ClinVar:

NM_015559.3(SETBP1):c.3635A>G (p.His1212Arg)

Gene: SETBP1 (SET binding protein 1; plus strand). Cytogenetic location: 18q12.3.
Variant type: single nucleotide variant.
Coding change: c.3635A>G on transcript NM_015559.3 (MANE Select); coding-DNA position 3635, A replaced by G.
Protein change: p.His1212Arg; replaces histidine 1212 with arginine.
Molecular consequence: missense variant.
Genome position (GRCh38, 1-based): chr18:44,952,975, A>G. VCF-style: chr18-44952975-A-G. GRCh37 (hg19) VCF-style: chr18-42532940-A-G.
Other names: c.3635A>G (NM_015559.2); c.3635A>G, p.His1212Arg (NM_001379141.1, NM_001379142.1); short protein forms H1212R.
Identifiers: ClinVar variation 1379281 (VCV001379281.7), dbSNP rs2145114303, ClinGen allele CA402324853.

ClinVar aggregate classification (germline): Uncertain significance. Review status: criteria provided, multiple submitters, no conflicts (2 of 4 stars). 2 submissions from 2 submitters: Uncertain significance (2). Last evaluated 2024-10-31.

Submissions (2):

GeneDx
Classification: Uncertain significance. Last evaluated: 2024-10-31. Review status: criteria provided, single submitter. Criteria: GeneDx Variant Classification Process June 2021. Collection method: clinical testing. Allele origin: germline. Affected: yes.
Comment: Not observed at significant frequency in large population cohorts (gnomAD); In silico analysis indicates that this missense variant does not alter protein structure/function; Has not been previously published as pathogenic or benign to our knowledge

Labcorp Genetics (formerly Invitae), Labcorp
Classification: Uncertain significance. Last evaluated: 2021-09-02. Review status: criteria provided, single submitter. Criteria: Invitae Variant Classification Sherloc (09022015). Collection method: clinical testing. Allele origin: germline.
Comment: This sequence change replaces histidine with arginine at codon 1212 of the SETBP1 protein (p.His1212Arg). The histidine residue is highly conserved and there is a small physicochemical difference between histidine and arginine. This variant is not present in population databases (ExAC no frequency). This variant has not been reported in the literature in individuals affected with SETBP1-related conditions. Algorithms developed to predict the effect of missense changes on protein structure and function are either unavailable or do not agree on the potential impact of this missense change (SIFT: "Deleterious"; PolyPhen-2: "Possibly Damaging"; Align-GVGD: "Class C0"). In summary, the available evidence is currently insufficient to determine the role of this variant in disease. Therefore, it has been classified as a Variant of Uncertain Significance.